The following is an entry in ClinVar:

NM_003124.5(SPR):c.380A>G (p.Asn127Ser)

Gene: SPR (sepiapterin reductase; plus strand). Cytogenetic location: 2p13.2.
Variant type: single nucleotide variant.
Coding change: c.380A>G on transcript NM_003124.5 (MANE Select); coding-DNA position 380, A replaced by G.
Protein change: p.Asn127Ser; replaces asparagine 127 with serine.
Molecular consequence: missense variant.
Genome position (GRCh38, 1-based): chr2:72,888,389, A>G. VCF-style: chr2-72888389-A-G. GRCh37 (hg19) VCF-style: chr2-73115518-A-G.
Other names: short protein forms N127S.
Identifiers: ClinVar variation 336991 (VCV000336991.33), dbSNP rs755878397, ClinGen allele CA1708946.

ClinVar aggregate classification (germline): Uncertain significance. Review status: criteria provided, multiple submitters, no conflicts (2 of 4 stars). 3 submissions from 3 submitters: Uncertain significance (3). Last evaluated 2023-12-01.

Conditions:
Dystonic disorder. Also called: Dystonia. Identifiers: MedGen C0013421, MONDO:0003441, HP:0001332.
Dopa-responsive dystonia due to sepiapterin reductase deficiency. Also called: DYT-SPR; SPR DEFICIENCY; Sepiapterin reductase deficiency. Identifiers: Orphanet 70594, MedGen C0268468, MONDO:0012994, OMIM 612716.

Allele frequency attached by ClinVar (database versions not stated): ExAC 0.00001; gnomAD exomes 0.00001; gnomAD 0.00002; TOPMed 0.00002.

Submissions (3):

CeGaT Center for Human Genetics Tuebingen
Classification: Uncertain significance. Last evaluated: 2023-12-01. Review status: criteria provided, single submitter. Criteria: CeGaT Center For Human Genetics Tuebingen Variant Classification Criteria Version 2. Collection method: clinical testing. Allele origin: germline. Affected: yes. Observed: 1 variant allele.
Comment: SPR: PM2, PM5

Labcorp Genetics (formerly Invitae), Labcorp
Classification: Uncertain significance for Dystonic disorder. Last evaluated: 2021-08-31. Review status: criteria provided, single submitter. Criteria: Invitae Variant Classification Sherloc (09022015). Collection method: clinical testing. Allele origin: germline.
Comment: This sequence change replaces asparagine with serine at codon 127 of the SPR protein (p.Asn127Ser). The asparagine residue is highly conserved and there is a small physicochemical difference between asparagine and serine. This variant is present in population databases (rs755878397, ExAC 0.001%). This variant has not been reported in the literature in individuals affected with SPR-related conditions. ClinVar contains an entry for this variant (Variation ID: 336991). Algorithms developed to predict the effect of missense changes on protein structure and function (SIFT, PolyPhen-2, Align-GVGD) all suggest that this variant is likely to be disruptive. In summary, the available evidence is currently insufficient to determine the role of this variant in disease. Therefore, it has been classified as a Variant of Uncertain Significance.

Illumina Laboratory Services, Illumina
Classification: Uncertain significance for Dopa-responsive dystonia due to sepiapterin reductase deficiency. Last evaluated: 2018-01-13. Review status: criteria provided, single submitter. Criteria: ICSL Variant Classification Criteria 13 December 2019. Collection method: clinical testing. Allele origin: germline.